The following is an entry in ClinVar:

NM_001145358.2(SIN3A):c.1276C>G (p.Gln426Glu)

Gene: SIN3A (SIN3 transcription regulator family member A; minus strand). Cytogenetic location: 15q24.2.
Variant type: single nucleotide variant.
Coding change: c.1276C>G on transcript NM_001145358.2 (MANE Select); coding-DNA position 1276, C replaced by G.
Protein change: p.Gln426Glu; replaces glutamine 426 with glutamic acid.
Molecular consequence: missense variant.
Genome position (GRCh38, 1-based): chr15:75,409,877, G>C on the plus strand (C>G on the coding strand, the complement: SIN3A is on the minus strand). VCF-style: chr15-75409877-G-C. GRCh37 (hg19) VCF-style: chr15-75702218-G-C.
Other names: c.1276C>G, p.Gln426Glu (NM_001145357.2, NM_015477.3); short protein forms Q426E.
Identifiers: ClinVar variation 3370153 (VCV003370153.2).

ClinVar aggregate classification (germline): Likely pathogenic (1 of 4 stars; one submission).

Submission:

GeneDx
Classification: Likely pathogenic. Last evaluated: 2024-11-12. Review status: criteria provided, single submitter. Criteria: GeneDx Variant Classification Process June 2021. Collection method: clinical testing. Allele origin: germline.
Comment: Not observed at significant frequency in large population cohorts (gnomAD); In silico analysis indicates that this missense variant does not alter protein structure/function; Has not been previously published as pathogenic or benign to our knowledge